The following is an entry in ClinVar:

NM_005216.5(DDOST):c.1226A>G (p.Tyr409Cys)

Gene: DDOST (dolichyl-diphosphooligosaccharide--protein glycosyltransferase non-catalytic subunit; minus strand). Cytogenetic location: 1p36.12.
Variant type: single nucleotide variant.
Coding change: c.1226A>G on transcript NM_005216.5 (MANE Select); coding-DNA position 1226, A replaced by G.
Protein change: p.Tyr409Cys; replaces tyrosine 409 with cysteine.
Molecular consequence: missense variant.
Genome position (GRCh38, 1-based): chr1:20,652,473, T>C on the plus strand (A>G on the coding strand, the complement: DDOST is on the minus strand). VCF-style: chr1-20652473-T-C. GRCh37 (hg19) VCF-style: chr1-20978966-T-C.
Other names: short protein forms Y409C.
Identifiers: ClinVar variation 2166946 (VCV002166946.4), dbSNP rs749823019, ClinGen allele CA18967734.

ClinVar aggregate classification (germline): Uncertain significance (1 of 4 stars; one submission).

Conditions:
Congenital disorder of glycosylation type Ir (CDG1R). Also called: DDOST-congenital disorder of glycosylation. Identifiers: Orphanet 300536, MedGen C3281084, MONDO:0013789, OMIM 614507.

Allele frequency attached by ClinVar (database versions not stated): TOPMed 0.00005.
gnomAD v4.1: 14 of 1,613,494 alleles (0.00087%); highest among the groups gnomAD compares: African/African-American, 0.0094%; no homozygotes.

Submission:

Labcorp Genetics (formerly Invitae), Labcorp
Classification: Uncertain significance for Congenital disorder of glycosylation type Ir. Last evaluated: 2022-08-10. Review status: criteria provided, single submitter. Criteria: Invitae Variant Classification Sherloc (09022015). Collection method: clinical testing. Allele origin: germline.
Comment: In summary, the available evidence is currently insufficient to determine the role of this variant in disease. Therefore, it has been classified as a Variant of Uncertain Significance. Algorithms developed to predict the effect of missense changes on protein structure and function are either unavailable or do not agree on the potential impact of this missense change (SIFT: "Deleterious"; PolyPhen-2: "Probably Damaging"; Align-GVGD: "Class C0"). This variant has not been reported in the literature in individuals affected with DDOST-related conditions. This variant is present in population databases (no rsID available, gnomAD 0.003%). This sequence change replaces tyrosine, which is neutral and polar, with cysteine, which is neutral and slightly polar, at codon 426 of the DDOST protein (p.Tyr426Cys).